The following is an entry in ClinVar:

NM_005359.6(SMAD4):c.1476TGA[1] (p.Asp494del)

Gene: SMAD4 (SMAD family member 4; plus strand). Cytogenetic location: 18q21.2.
Variant type: Microsatellite.
Coding change: c.1476TGA[1] on transcript NM_005359.6 (MANE Select); one copy of the 3-base unit TGA starting at c.1476; the reference has two copies in a row; one copy, 3 bases deleted.
Protein change: p.Asp494del; deletes aspartic acid 494.
Molecular consequence: inframe deletion.
Genome position (GRCh38, 1-based): chr18:51,078,287-51,078,289, TGA deleted; deleting any 3 consecutive bases within chr18:51,078,284-51,078,289 gives the same sequence; the position shown is the placement nearest the transcript's 3' end. VCF-style (leftmost placement, unchanged base first): chr18-51078283-TTGA-T. GRCh37 (hg19) VCF-style: chr18-48604653-TTGA-T.
Other names: c.1479_1481delTGA (NM_005359.5); short protein forms D494del.
Identifiers: ClinVar variation 945003 (VCV000945003.13), dbSNP rs1910518741, ClinGen allele CA2302986868.

ClinVar aggregate classification (germline): Conflicting classifications of pathogenicity. Review status: criteria provided, conflicting classifications (1 of 4 stars). 2 submissions from 2 submitters: Likely pathogenic (1); Uncertain significance (1). Last evaluated 2025-02-24.

Conditions:
Juvenile polyposis syndrome (JPS). Identifiers: Orphanet 2929, MedGen C0345893, MONDO:0017380, OMIM 174900.
Hereditary cancer-predisposing syndrome. Also called: Neoplastic Syndromes, Hereditary; Hereditary neoplastic syndrome; Hereditary Cancer Syndrome; Tumor predisposition. Identifiers: Orphanet 140162, MedGen C0027672, MeSH D009386, MONDO:0015356.
Familial thoracic aortic aneurysm and aortic dissection (TAAD). Also called: Thoracic aortic aneurysms and dissections. Identifiers: Orphanet 91387, MedGen C4707243, MONDO:0019625.

Submissions (2):

Ambry Genetics
Classification: Likely pathogenic for Hereditary cancer-predisposing syndrome; Familial thoracic aortic aneurysm and aortic dissection. Last evaluated: 2025-02-24. Review status: criteria provided, single submitter. Criteria: Ambry Variant Classification Scheme 2023. Collection method: clinical testing. Allele origin: germline.
Comment: The c.1479_1481delTGA variant (also known as p.D494del) is located in coding exon 11 of the SMAD4 gene. This variant results from an in-frame TGA deletion at nucleotide positions 1479 to 1481. This results in the in-frame deletion of an aspartic acid at codon 494. This variant co-segregated with disease in one family tested in our laboratory. Based on internal structural analysis, this alteration destabilizes SMAD4 at its interface with SMAD2/3 (Chacko BM et al. Mol. Cell, 2004 Sep;15:813-23). This variant is considered to be rare based on population cohorts in the Genome Aggregation Database (gnomAD). This amino acid position is highly conserved in available vertebrate species. In addition, this alteration is predicted to be deleterious by in silico analysis (Choi Y et al. PLoS ONE. 2012; 7(10):e46688). Based on the majority of available evidence to date, this variant is likely to be pathogenic.

Labcorp Genetics (formerly Invitae), Labcorp
Classification: Uncertain significance for Juvenile polyposis syndrome. Last evaluated: 2023-03-02. Review status: criteria provided, single submitter. Criteria: Invitae Variant Classification Sherloc (09022015). Collection method: clinical testing. Allele origin: germline.
Comment: This variant is not present in population databases (gnomAD no frequency). This variant, c.1479_1481del, results in the deletion of 1 amino acid(s) of the SMAD4 protein (p.Asp494del), but otherwise preserves the integrity of the reading frame. This variant has been observed in individual(s) with clinical features of juvenile polyposis syndrome (Invitae). In summary, the available evidence is currently insufficient to determine the role of this variant in disease. Therefore, it has been classified as a Variant of Uncertain Significance. Experimental studies and prediction algorithms are not available or were not evaluated, and the functional significance of this variant is currently unknown. ClinVar contains an entry for this variant (Variation ID: 945003).

Literature cited by the submitters: PubMed 15350224 (cited by Ambry Genetics); PubMed 25851949 (cited by Ambry Genetics).